The following is an entry in ClinVar:

NM_003482.4(KMT2D):c.13895dup (p.Ser4633fs)

Gene: KMT2D (lysine methyltransferase 2D; minus strand). Cytogenetic location: 12q13.12.
Variant type: Duplication.
Coding change: c.13895dup on transcript NM_003482.4 (MANE Select); coding-DNA position 13895, one base duplicated (C; older notation c.13895dupC).
Protein change: p.Ser4633fs; shifts the reading frame from serine 4633.
Molecular consequence: frameshift variant.
Genome position (GRCh38, 1-based): chr12:49,030,384, G duplicated on the plus strand (C on the coding strand, the reverse complement: KMT2D is on the minus strand); the first of 5 consecutive G bases (chr12:49,030,384-49,030,388); duplicating any one gives the same sequence. VCF-style (leftmost placement, unchanged base first): chr12-49030383-T-TG. GRCh37 (hg19) VCF-style: chr12-49424166-T-TG.
Other names: c.13895dupC (NM_003482.3); short protein forms S4633fs.
Identifiers: ClinVar variation 664811 (VCV000664811.6), dbSNP rs1592112854, ClinGen allele CA915948273.

ClinVar aggregate classification (germline): Pathogenic (1 of 4 stars; one submission).

Conditions:
Kabuki syndrome. Also called: NIIKAWA-KUROKI SYNDROME; Kabuki make-up syndrome. Identifiers: Orphanet 2322, MedGen C0796004, MONDO:0016512.

Submission:

Labcorp Genetics (formerly Invitae), Labcorp
Classification: Pathogenic for Kabuki syndrome. Last evaluated: 2018-11-06. Review status: criteria provided, single submitter. Criteria: Invitae Variant Classification Sherloc (09022015). Collection method: clinical testing. Allele origin: germline.
Comment: For these reasons, this variant has been classified as Pathogenic. Loss-of-function variants in KMT2D are known to be pathogenic (PMID: 22126750). This variant has not been reported in the literature in individuals with KMT2D-related disease. This variant is not present in population databases (ExAC no frequency). This sequence change creates a premature translational stop signal (p.Ser4633Ilefs*14) in the KMT2D gene. It is expected to result in an absent or disrupted protein product.

Literature cited by the submitters: PubMed 22126750.